The following is an entry in ClinVar:

NM_001041.4(SI):c.2176A>G (p.Asn726Asp)

Gene: SI (sucrase-isomaltase; minus strand). Cytogenetic location: 3q26.1.
Variant type: single nucleotide variant.
Coding change: c.2176A>G on transcript NM_001041.4 (MANE Select); coding-DNA position 2176, A replaced by G.
Protein change: p.Asn726Asp; replaces asparagine 726 with aspartic acid.
Molecular consequence: missense variant.
Genome position (GRCh38, 1-based): chr3:165,039,955, T>C on the plus strand (A>G on the coding strand, the complement: SI is on the minus strand). VCF-style: chr3-165039955-T-C. GRCh37 (hg19) VCF-style: chr3-164757743-T-C.
Other names: short protein forms N726D.
Identifiers: ClinVar variation 1435162 (VCV001435162.6), dbSNP rs376939576, ClinGen allele CA2690806.
Genomic context (GRCh38, chr3:165,039,955, plus strand): 5'-GAACAGGAGTAATAAGTAATGCAGGGCCCCACAAAAACTCAGTGTCCTCAATCCAGCTGT[T>C]CGTATCCTCATAAAACCTAAGAACAATGACAATGTTTAAAGTATAATAATGAAAAAATAA-3'
Protein context (NP_001032.2, residues 716-736): PVLHEFYEDT[Asn726Asp]SWIEDTEFLW

ClinVar aggregate classification (germline): Uncertain significance (1 of 4 stars; one submission).

Allele frequency attached by ClinVar (database versions not stated): gnomAD 0.00001; TOPMed 0.00001.
gnomAD v4.1: 12 of 1,612,582 alleles (0.00074%); highest among the groups gnomAD compares: Admixed American, 0.01%; no homozygotes.

Submission:

Labcorp Genetics (formerly Invitae), Labcorp
Classification: Uncertain significance. Last evaluated: 2024-11-05. Review status: criteria provided, single submitter. Criteria: Invitae Variant Classification Sherloc (09022015). Collection method: clinical testing. Allele origin: germline.
Comment: This sequence change replaces asparagine, which is neutral and polar, with aspartic acid, which is acidic and polar, at codon 726 of the SI protein (p.Asn726Asp). This variant is present in population databases (rs376939576, gnomAD 0.01%). This variant has not been reported in the literature in individuals affected with SI-related conditions. ClinVar contains an entry for this variant (Variation ID: 1435162). Invitae Evidence Modeling of protein sequence and biophysical properties (such as structural, functional, and spatial information, amino acid conservation, physicochemical variation, residue mobility, and thermodynamic stability) has been performed for this missense variant. However, the output from this modeling did not meet the statistical confidence thresholds required to predict the impact of this variant on SI protein function. In summary, the available evidence is currently insufficient to determine the role of this variant in disease. Therefore, it has been classified as a Variant of Uncertain Significance.